The following is an entry in ClinVar:

NM_000038.6(APC):c.3305A>C (p.Tyr1102Ser)

Gene: APC (APC regulator of Wnt signaling pathway; plus strand). Cytogenetic location: 5q22.2.
Variant type: single nucleotide variant.
Coding change: c.3305A>C on transcript NM_000038.6 (MANE Select); coding-DNA position 3305, A replaced by C.
Protein change: p.Tyr1102Ser; replaces tyrosine 1102 with serine.
Molecular consequence: missense variant. On other transcripts: non-coding transcript variant (2).
Genome position (GRCh38, 1-based): chr5:112,838,899, A>C. VCF-style: chr5-112838899-A-C. GRCh37 (hg19) VCF-style: chr5-112174596-A-C.
Other names: c.3305A>C, p.Tyr1102Ser (NM_001127510.3, NM_001354895.2, NM_001407450.1); c.3251A>C, p.Tyr1084Ser (NM_001127511.3); c.3359A>C, p.Tyr1120Ser (NM_001354896.2, NM_001407447.1, NM_001407448.1 and 1 more transcripts); c.3335A>C, p.Tyr1112Ser (NM_001354897.2); c.3230A>C, p.Tyr1077Ser (NM_001354898.2); c.3221A>C, p.Tyr1074Ser (NM_001354899.2); c.3182A>C, p.Tyr1061Ser (NM_001354900.2); c.3128A>C, p.Tyr1043Ser (NM_001354901.2, NM_001407453.1); and 11 more; short protein forms Y1011S, Y1074S, Y1102S, Y1112S, Y1120S, Y718S, Y976S, Y1095S.
Identifiers: ClinVar variation 3412588 (VCV003412588.1).

ClinVar aggregate classification (germline): Uncertain significance (1 of 4 stars; one submission).

Conditions:
Hereditary cancer-predisposing syndrome. Also called: Neoplastic Syndromes, Hereditary; Tumor predisposition; Hereditary Cancer Syndrome; Hereditary neoplastic syndrome. Identifiers: Orphanet 140162, MedGen C0027672, MeSH D009386, MONDO:0015356.

Submission:

Ambry Genetics
Classification: Uncertain significance for Hereditary cancer-predisposing syndrome. Last evaluated: 2024-11-26. Review status: criteria provided, single submitter. Criteria: Ambry Variant Classification Scheme 2023. Collection method: clinical testing. Allele origin: germline.
Comment: The p.Y1102S variant (also known as c.3305A>C), located in coding exon 15 of the APC gene, results from an A to C substitution at nucleotide position 3305. The tyrosine at codon 1102 is replaced by serine, an amino acid with dissimilar properties. This amino acid position is conserved. In addition, in silico predictors for this gene do not accurately predict pathogenicity. Based on the available evidence, the clinical significance of this variant remains unclear.